The following is an entry in ClinVar:

NC_000007.14:g.128772602T>C

Genes: CALU (calumenin; plus strand), OPN1SW (opsin 1, short wave sensitive; minus strand). Cytogenetic location: 7q32.1.
Variant type: single nucleotide variant.
Molecular consequence: 3 prime UTR variant (on NM_001219.5). On other transcripts: non-coding transcript variant (1).
Genome position: GRCh38 VCF-style: chr7-128772602-T-C. GRCh37 (hg19) VCF-style: chr7-128412656-T-C.
Other names: NM_001708.2:c.985A>G; c.*3435T>C (NM_001130674.3, NM_001199671.2, NM_001199672.2 and 1 more transcripts); c.*3508T>C (NM_001199673.2).
Identifiers: ClinVar variation 836919 (VCV000836919.9), dbSNP rs750190072, ClinGen allele CA4472771.

ClinVar aggregate classification (germline): Uncertain significance. Review status: criteria provided, multiple submitters, no conflicts (2 of 4 stars). 2 submissions from 2 submitters: Uncertain significance (2). Last evaluated 2025-07-13.

Allele frequency attached by ClinVar (database versions not stated): gnomAD exomes below 0.00001 and 0.00001; ExAC 0.00001; gnomAD 0.00001; TOPMed 0.00002.
gnomAD v4.1: 22 of 1,614,074 alleles (0.0014%); highest among the groups gnomAD compares: East Asian, 0.013%; no homozygotes.

Submissions (2):

Labcorp Genetics (formerly Invitae), Labcorp
Classification: Uncertain significance. Last evaluated: 2025-07-13. Review status: criteria provided, single submitter. Criteria: Invitae Variant Classification Sherloc (09022015). Collection method: clinical testing. Allele origin: germline.
Comment: This sequence change replaces threonine, which is neutral and polar, with alanine, which is neutral and non-polar, at codon 329 of the OPN1SW protein (p.Thr329Ala). This variant is present in population databases (rs750190072, gnomAD 0.02%). This variant has not been reported in the literature in individuals affected with OPN1SW-related conditions. ClinVar contains an entry for this variant (Variation ID: 836919). An algorithm developed to predict the effect of missense changes on protein structure and function (PolyPhen-2) suggests that this variant is likely to be tolerated. In summary, the available evidence is currently insufficient to determine the role of this variant in disease. Therefore, it has been classified as a Variant of Uncertain Significance.

Ambry Genetics
Classification: Uncertain significance. Last evaluated: 2023-06-07. Review status: criteria provided, single submitter. Criteria: Ambry Variant Classification Scheme 2023. Collection method: clinical testing. Allele origin: germline.